The following is an entry in ClinVar:

NM_001035.3(RYR2):c.8933A>T (p.His2978Leu)

Gene: RYR2 (ryanodine receptor 2; plus strand). Cytogenetic location: 1q43.
Variant type: single nucleotide variant.
Coding change: c.8933A>T on transcript NM_001035.3 (MANE Select); coding-DNA position 8933, A replaced by T.
Protein change: p.His2978Leu; replaces histidine 2978 with leucine.
Molecular consequence: missense variant.
Genome position (GRCh38, 1-based): chr1:237,680,493, A>T. VCF-style: chr1-237680493-A-T. GRCh37 (hg19) VCF-style: chr1-237843793-A-T.
Other names: c.8933A>T (NM_001035.2); short protein forms H2978L.
Identifiers: ClinVar variation 919834 (VCV000919834.9), dbSNP rs767843817, ClinGen allele CA087788.

ClinVar aggregate classification (germline): Uncertain significance. Review status: criteria provided, multiple submitters, no conflicts (2 of 4 stars). 4 submissions from 4 submitters: Uncertain significance (4). Last evaluated 2026-05-28.

Conditions:
Cardiovascular phenotype. Identifiers: MedGen CN230736.
Catecholaminergic polymorphic ventricular tachycardia (CVPT). Also called: Catecholamine-induced polymorphic ventricular tachycardia. Identifiers: Orphanet 3286, MedGen C5574922, MONDO:0017990.
Cardiomyopathy (CMYO). Also called: Cardiomyopathies. Identifiers: Orphanet 167848, MedGen C0878544, MONDO:0004994, HP:0001638. Inheritance: Various modes of inheritance.

Allele frequency attached by ClinVar (database versions not stated): ExAC 0.00005; TOPMed 0.00001; gnomAD exomes 0.00002; gnomAD 0.00001.
gnomAD v4.1: 24 of 1,606,436 alleles (0.0015%); highest among the groups gnomAD compares: Non-Finnish European, 0.002%; no homozygotes.

Submissions (4):

Ambry Genetics
Classification: Uncertain significance for Cardiovascular phenotype. Last evaluated: 2026-05-28. Review status: criteria provided, single submitter. Criteria: Ambry Variant Classification Scheme 2023. Collection method: clinical testing. Allele origin: germline.
Comment: The p.H2978L variant (also known as c.8933A>T), located in coding exon 62 of the RYR2 gene, results from an A to T substitution at nucleotide position 8933. The histidine at codon 2978 is replaced by leucine, an amino acid with similar properties. This amino acid position is conserved. In addition, this alteration is predicted to be deleterious by in silico analysis. Based on the available evidence, the clinical significance of this variant remains unclear.

GeneDx
Classification: Uncertain significance. Last evaluated: 2025-02-06. Review status: criteria provided, single submitter. Criteria: GeneDx Variant Classification Process June 2021. Collection method: clinical testing. Allele origin: germline. Affected: yes.
Comment: In silico analysis supports that this missense variant has a deleterious effect on protein structure/function; Has not been previously published as pathogenic or benign to our knowledge; Not located in one of the three hot-spot regions of the RYR2 gene, where the majority of pathogenic missense variants occur (PMID: 19926015); This variant is associated with the following publications: (PMID: 19926015)

All of Us Research Program, National Institutes of Health
Classification: Uncertain significance for Catecholaminergic polymorphic ventricular tachycardia. Last evaluated: 2024-08-13. Review status: criteria provided, single submitter. Criteria: ACMG Guidelines, 2015. Collection method: clinical testing. Allele origin: germline. Inheritance: Autosomal dominant inheritance. Observed: 3 variant alleles, 3 heterozygotes.
Comment: This missense variant replaces histidine with leucine at codon 2978 of the RYR2 protein. Computational prediction suggests that this variant may have deleterious impact on protein structure and function (internally defined REVEL score threshold >= 0.7, PMID: 27666373). To our knowledge, functional studies have not been reported for this variant. This variant has not been reported in individuals affected with cardiovascular disorders in the literature. This variant has been identified in 6/246178 chromosomes in the general population by the Genome Aggregation Database (gnomAD). The available evidence is insufficient to determine the role of this variant in disease conclusively. Therefore, this variant is classified as a Variant of Uncertain Significance.

This study involves interpretation of variants in research participants for the purpose of population health screening. Participant phenotype was not available at the time of variant classification. Additional details can be found in publication PMID: 35346344, PMCID: PMC8962531

Color Diagnostics, LLC DBA Color Health
Classification: Uncertain significance for Cardiomyopathy. Last evaluated: 2024-07-24. Review status: criteria provided, single submitter. Criteria: ACMG Guidelines, 2015. Collection method: clinical testing. Allele origin: germline.
Comment: This missense variant replaces histidine with leucine at codon 2978 of the RYR2 protein. Computational prediction suggests that this variant may have deleterious impact on protein structure and function. To our knowledge, functional studies have not been reported for this variant. This variant has not been reported in individuals affected with RYR2-related disorders in the literature. This variant has been identified in 6/246178 chromosomes in the general population by the Genome Aggregation Database (gnomAD). The available evidence is insufficient to determine the role of this variant in disease conclusively. Therefore, this variant is classified as a Variant of Uncertain Significance.